The following is an entry in ClinVar:

ClinVar aggregate classification (germline): Likely benign (1 of 4 stars; one submission).

Allele frequency attached by ClinVar (database versions not stated): TOPMed below 0.00001; gnomAD 0.00002.

Submission:

CeGaT Center for Human Genetics Tuebingen
Classification: Likely benign. Last evaluated: 2022-04-01. Review status: criteria provided, single submitter. Criteria: CeGaT Center For Human Genetics Tuebingen Variant Classification Criteria Version 2. Collection method: clinical testing. Allele origin: germline. Affected: yes. Observed: 1 variant allele.
Comment: HYDIN: BP4, BP7

NM_001270974.2(HYDIN):c.10083C>T (p.Phe3361=)

Gene: HYDIN (HYDIN axonemal central pair apparatus protein; minus strand). Cytogenetic location: 16q22.2.
Variant type: single nucleotide variant.
Coding change: c.10083C>T on transcript NM_001270974.2 (MANE Select); coding-DNA position 10083, C replaced by T.
Protein change: p.Phe3361=; no amino-acid change (phenylalanine 3361 retained).
Molecular consequence: synonymous variant.
Genome position (GRCh38, 1-based): chr16:70,882,792, G>A on the plus strand (C>T on the coding strand, the complement: HYDIN is on the minus strand). VCF-style: chr16-70882792-G-A. GRCh37 (hg19) VCF-style: chr16-70916695-G-A.
Identifiers: ClinVar variation 2646720 (VCV002646720.24), dbSNP rs774136704, ClinGen allele CA496405202.